The following is an entry in ClinVar:

NM_005245.4(FAT1):c.10354A>C (p.Asn3452His)

Gene: FAT1 (FAT atypical cadherin 1; minus strand). Cytogenetic location: 4q35.2.
Variant type: single nucleotide variant.
Coding change: c.10354A>C on transcript NM_005245.4 (MANE Select); coding-DNA position 10354, A replaced by C.
Protein change: p.Asn3452His; replaces asparagine 3452 with histidine.
Molecular consequence: missense variant.
Genome position (GRCh38, 1-based): chr4:186,604,571, T>G on the plus strand (A>C on the coding strand, the complement: FAT1 is on the minus strand). VCF-style: chr4-186604571-T-G. GRCh37 (hg19) VCF-style: chr4-187525725-T-G.
Other names: short protein forms N3452H.
Identifiers: ClinVar variation 1967026 (VCV001967026.5), dbSNP rs2477361015, ClinGen allele CA358977883.
Genomic context (GRCh38, chr4:186,604,571, plus strand): 5'-TATGGGAAGAATCCTCATCTGTTACTACCAGCTGCAGCACGCTGAAGCCCACTGGCTTAT[T>G]TTCCTGCACAAGATTAGAAACAAAATTAAACAAAAATCCTGGAACACAGCCAAATCTATA-3'
Protein context (NP_005236.2, residues 3442-3462): RGNYSVIIQE[Asn3452His]KPVGFSVLQL

ClinVar aggregate classification (germline): Uncertain significance (1 of 4 stars; one submission).

Submission:

Labcorp Genetics (formerly Invitae), Labcorp
Classification: Uncertain significance. Last evaluated: 2022-04-03. Review status: criteria provided, single submitter. Criteria: Invitae Variant Classification Sherloc (09022015). Collection method: clinical testing. Allele origin: germline.
Comment: This variant is not present in population databases (gnomAD no frequency). This sequence change replaces asparagine, which is neutral and polar, with histidine, which is basic and polar, at codon 3452 of the FAT1 protein (p.Asn3452His). This variant has not been reported in the literature in individuals affected with FAT1-related conditions. Algorithms developed to predict the effect of missense changes on protein structure and function (SIFT, PolyPhen-2, Align-GVGD) all suggest that this variant is likely to be disruptive. In summary, the available evidence is currently insufficient to determine the role of this variant in disease. Therefore, it has been classified as a Variant of Uncertain Significance.